The following is an entry in ClinVar:

NM_001042492.3(NF1):c.4577+357T>G

Gene: NF1 (neurofibromin 1; plus strand). Cytogenetic location: 17q11.2.
Variant type: single nucleotide variant.
Coding change: c.4577+357T>G on transcript NM_001042492.3 (MANE Select); 357 bases into the intron after coding-DNA position 4577, T replaced by G.
Molecular consequence: intron variant.
Genome position (GRCh38, 1-based): chr17:31,260,872, T>G. VCF-style: chr17-31260872-T-G. GRCh37 (hg19) VCF-style: chr17-29587890-T-G.
Other names: c.4514+357T>G (NM_000267.4).
Identifiers: ClinVar variation 3237787 (VCV003237787.2), dbSNP rs2508424775.

ClinVar aggregate classification (germline): Pathogenic (1 of 4 stars; one submission).

Conditions:
Cardiovascular phenotype. Identifiers: MedGen CN230736.
Hereditary cancer-predisposing syndrome. Also called: Hereditary Cancer Syndrome; Hereditary neoplastic syndrome; Neoplastic Syndromes, Hereditary; Tumor predisposition. Identifiers: Orphanet 140162, MedGen C0027672, MeSH D009386, MONDO:0015356.

Submission:

Ambry Genetics
Classification: Pathogenic for Cardiovascular phenotype; Hereditary cancer-predisposing syndrome. Last evaluated: 2023-10-27. Review status: criteria provided, single submitter. Criteria: Ambry Variant Classification Scheme 2023. Collection method: clinical testing. Allele origin: germline.
Comment: The c.4514+357T>G intronic pathogenic mutation results from a T to G substitution 357 nucleotides after coding exon 33 in the NF1 gene. RNA studies have demonstrated that this alteration results in abnormal splicing in the set of samples tested (Ambry internal data). This nucleotide position is well conserved in available vertebrate species. In silico splice site analysis predicts that this alteration will result in the creation or strengthening of a novel splice donor site. This variant is considered to be rare based on population cohorts in the Genome Aggregation Database (gnomAD). Based on the supporting evidence, this alteration is interpreted as a disease-causing mutation.